The following is an entry in ClinVar:

ClinVar aggregate classification (germline): Uncertain significance. Review status: criteria provided, multiple submitters, no conflicts (2 of 4 stars). 2 submissions from 2 submitters: Uncertain significance (2). Last evaluated 2023-02-15.

Conditions:
Inborn genetic diseases. Identifiers: MedGen C0950123, MeSH D030342.
Mowat-Wilson syndrome (MOWS). Also called: Classic Mowat-Wilson Syndrome. Identifiers: Orphanet 2152, MedGen C1856113, MONDO:0009341, OMIM 235730.

Allele frequency attached by ClinVar (database versions not stated): gnomAD exomes below 0.00001.
gnomAD v4.1: 2 of 1,614,162 alleles (0.00012%); highest among the groups gnomAD compares: South Asian, 0.0011%; no homozygotes.

Submissions (2):

Ambry Genetics
Classification: Uncertain significance for Inborn genetic diseases. Last evaluated: 2023-02-15. Review status: criteria provided, single submitter. Criteria: Ambry Variant Classification Scheme 2023. Collection method: clinical testing. Allele origin: germline.

Victorian Clinical Genetics Services, Murdoch Childrens Research Institute
Classification: Uncertain significance for Mowat-Wilson syndrome. Last evaluated: 2022-09-02. Review status: criteria provided, single submitter. Criteria: ACMG Guidelines, 2015. Collection method: clinical testing. Allele origin: germline. Inheritance: Autosomal dominant inheritance. Affected: yes.
Comment: Based on the classification scheme VCGS_Germline_v1.3.4, this variant is classified as VUS-3B. Following criteria are met: 0102 - Loss of function is a known mechanism of disease in this gene and is associated with Mowat-Wilson syndrome (MIM#235730). (I) 0107 - This gene is associated with autosomal dominant disease. (I) 0115 - Variants in this gene are known to have variable expressivity (PMID:29300384). (I) 0200 - Variant is predicted to result in a missense amino acid change from arginine to glutamine. (I) 0251 - This variant is heterozygous. (I) 0301 - Variant is absent from gnomAD (both v2 and v3). (SP) 0309 - An alternative amino acid change at the same position has been observed in gnomAD (v3: 1 heterozygote, 0 homozygotes. (I) 0502 - Missense variant with conflicting in silico predictions and high conservation. (I) 0604 - Variant is not located in an established domain, motif, hotspot or informative constraint region. (I) 0710 - Another missense variant comparable to the one identified in this case has inconclusive previous evidence for pathogenicity. The p.(Arg1180Gly) variant has been classified as a VUS in ClinVar. (I) 0807 - This variant has no previous evidence of pathogenicity. (I) 0905 - No published segregation evidence has been identified for this variant. (I) 1007 - No published functional evidence has been identified for this variant. (I) 1208 - Inheritance information for this variant is not currently available in this individual. (I) Legend: (SP) - Supporting pathogenic, (I) - Information, (SB) - Supporting benign

Literature cited by the submitters: PubMed 29300384 (cited by Victorian Clinical Genetics Services, Murdoch Childrens Research Institute).

NM_014795.4(ZEB2):c.3539G>A (p.Arg1180Gln)

Gene: ZEB2 (zinc finger E-box binding homeobox 2; minus strand). Cytogenetic location: 2q22.3.
Variant type: single nucleotide variant.
Coding change: c.3539G>A on transcript NM_014795.4 (MANE Select); coding-DNA position 3539, G replaced by A.
Protein change: p.Arg1180Gln; replaces arginine 1180 with glutamine.
Molecular consequence: missense variant.
Genome position (GRCh38, 1-based): chr2:144,389,557, C>T on the plus strand (G>A on the coding strand, the complement: ZEB2 is on the minus strand). VCF-style: chr2-144389557-C-T. GRCh37 (hg19) VCF-style: chr2-145147124-C-T.
Other names: c.3467G>A, p.Arg1156Gln (NM_001171653.2); short protein forms R1156Q, R1180Q.
Identifiers: ClinVar variation 1805993 (VCV001805993.3), dbSNP rs2549101601, ClinGen allele CA348699061.